The following is an entry in ClinVar:

NM_000138.5(FBN1):c.3589+11TTTTA[5]

Gene: FBN1 (fibrillin 1; minus strand). Cytogenetic location: 15q21.1.
Variant type: Microsatellite.
Coding change: c.3589+11TTTTA[5] on transcript NM_000138.5 (MANE Select); five copies in a row of the 5-base unit TTTTA starting at c.3589+11; the reference has six copies in a row; one copy, 5 bases deleted.
Molecular consequence: intron variant.
Genome position (GRCh38, 1-based): chr15:48,487,035-48,487,039, TAAAA deleted on the plus strand (TTTTA on the coding strand, the reverse complement: FBN1 is on the minus strand); deleting any 5 consecutive bases within chr15:48,487,035-48,487,064 gives the same sequence; the position shown is the placement nearest the transcript's 3' end. VCF-style (leftmost placement, unchanged base first): chr15-48487034-GTAAAA-G. GRCh37 (hg19) VCF-style: chr15-48779231-GTAAAA-G.
Other names: c.3589+11_3589+15delTTTTA (NM_000138.4); c.3589+36_3589+40delTTTTA (NM_000138.4).
Identifiers: ClinVar variation 255294 (VCV000255294.4), dbSNP rs72158035, ClinGen allele CA014282.

ClinVar aggregate classification (germline): Benign/Likely benign. Review status: criteria provided, multiple submitters, no conflicts (2 of 4 stars). 3 submissions from 2 submitters: Benign (1); Likely benign (1). 1 of the submissions does not count toward it. Last evaluated 2015-03-03.

Conditions:
Familial thoracic aortic aneurysm and aortic dissection (TAAD). Also called: Thoracic aortic aneurysms and dissections. Identifiers: Orphanet 91387, MedGen C4707243, MONDO:0019625.

Submissions (3):

GeneDx
Classification: Benign. Last evaluated: 2015-03-03. Review status: criteria provided, single submitter. Criteria: GeneDx Variant Classification Process June 2021. Collection method: clinical testing. Allele origin: germline. Affected: yes.

PreventionGenetics, part of Exact Sciences
Classification: Likely benign. Review status: criteria provided, single submitter. Criteria: ACMG Guidelines, 2015. Collection method: clinical testing. Allele origin: germline.

GeneDx
Classification: Benign for Thoracic aortic aneurysms and aortic dissections. Last evaluated: 2013-06-14. Review status: flagged submission. Criteria: GeneDx Variant Classification (06012015). Collection method: clinical testing. Allele origin: germline. Affected: yes. Not counted in ClinVar's aggregate classification.
Comment: The variant is found in TAAD panel(s).
ClinVar note: Reason: This record appears to be redundant with a more recent record from the same submitter.
ClinVar note: Notes: SCV000233705 appears to be redundant with SCV001893409.